The following is an entry in ClinVar:

NM_014009.4(FOXP3):c.1031C>A (p.Thr344Lys)

Gene: FOXP3 (forkhead box P3; minus strand). Cytogenetic location: Xp11.23.
Variant type: single nucleotide variant.
Coding change: c.1031C>A on transcript NM_014009.4 (MANE Select); coding-DNA position 1031, C replaced by A.
Protein change: p.Thr344Lys; replaces threonine 344 with lysine.
Molecular consequence: missense variant.
Genome position (GRCh38, 1-based): chrX:49,253,139, G>T on the plus strand (C>A on the coding strand, the complement: FOXP3 is on the minus strand). VCF-style: chrX-49253139-G-T. GRCh37 (hg19) VCF-style: chrX-49109600-G-T.
Other names: c.926C>A, p.Thr309Lys (NM_001114377.2); short protein forms T309K, T344K.
Identifiers: ClinVar variation 834207 (VCV000834207.9), dbSNP rs782539207, ClinGen allele CA412950125.
Genomic context (GRCh38, chrX:49,253,139, plus strand): 5'-CCCCATCTTTGTCTTCCTCCTCCTTGGGGCCGAGCTGCCCTGCTTACCCAGCGGATGAGC[G>T]TGGCGTAGGTGAAAGGGGGTCGCATGTTGTGGAACTTGAAGTAGTCCATGTTGTGGAGGA-3'
Protein context (NP_054728.2, residues 334-354): HNMRPPFTYA[Thr344Lys]LIRWAILEAP

ClinVar aggregate classification (germline): Uncertain significance (1 of 4 stars; one submission).

Conditions:
Insulin-dependent diabetes mellitus secretory diarrhea syndrome (IPEX). Also called: Immunodeficiency, Polyendocrinopathy, and Enteropathy X-Linked Syndrome; X-Linked Syndrome of Polyendocrinopathy, Immune Dysfunction, and Diarrhea; DIABETES MELLITUS, CONGENITAL INSULIN-DEPENDENT, WITH FATAL SECRETORY DIARRHEA; DIARRHEA, POLYENDOCRINOPATHY, FATAL INFECTION SYNDROME, X-LINKED; ENTEROPATHY, AUTOIMMUNE, WITH HEMOLYTIC ANEMIA AND POLYENDOCRINOPATHY; X-Linked Autoimmunity-Allergic Dysregulation Syndrome. Identifiers: Orphanet 37042, MedGen C0342288, MONDO:0010580, OMIM 304790. Disease mechanism: loss of function.

Submission:

Labcorp Genetics (formerly Invitae), Labcorp
Classification: Uncertain significance for Insulin-dependent diabetes mellitus secretory diarrhea syndrome. Last evaluated: 2019-02-23. Review status: criteria provided, single submitter. Criteria: Invitae Variant Classification Sherloc (09022015). Collection method: clinical testing. Allele origin: germline.
Comment: This sequence change replaces threonine with lysine at codon 344 of the FOXP3 protein (p.Thr344Lys). The threonine residue is moderately conserved and there is a moderate physicochemical difference between threonine and lysine. In summary, the available evidence is currently insufficient to determine the role of this variant in disease. Therefore, it has been classified as a Variant of Uncertain Significance. Algorithms developed to predict the effect of sequence changes on RNA splicing suggest that this variant may create or strengthen a splice site, but this prediction has not been confirmed by published transcriptional studies. Algorithms developed to predict the effect of missense changes on protein structure and function are either unavailable or do not agree on the potential impact of this missense change (SIFT: "Tolerated"; PolyPhen-2: "Probably Damaging"; Align-GVGD: "Class C0"). This variant has not been reported in the literature in individuals with FOXP3-related conditions. This variant is not present in population databases (ExAC no frequency).